The following is an entry in ClinVar:

NM_000489.6(ATRX):c.5825G>A (p.Ser1942Asn)

Gene: ATRX (ATRX chromatin remodeler; minus strand). Cytogenetic location: Xq21.1.
Variant type: single nucleotide variant.
Coding change: c.5825G>A on transcript NM_000489.6 (MANE Select); coding-DNA position 5825, G replaced by A.
Protein change: p.Ser1942Asn; replaces serine 1942 with asparagine.
Molecular consequence: missense variant.
Genome position (GRCh38, 1-based): chrX:77,599,542, C>T on the plus strand (G>A on the coding strand, the complement: ATRX is on the minus strand). VCF-style: chrX-77599542-C-T. GRCh37 (hg19) VCF-style: chrX-76855011-C-T.
Other names: c.5711G>A, p.Ser1904Asn (NM_138270.5); short protein forms S1904N, S1942N.
Identifiers: ClinVar variation 1430544 (VCV001430544.5), dbSNP rs2148144524, ClinGen allele CA413697778.

ClinVar aggregate classification (germline): Uncertain significance (1 of 4 stars; one submission).

Conditions:
Alpha thalassemia-X-linked intellectual disability syndrome (ATRX). Also called: ATR-X syndrome; Alpha thalassemia mental retardation syndrome, nondeletion type, X-linked; XLMR hypotonic face syndrome; X-linked alpha-thalassemia-mental retardation syndrome; ALPHA-THALASSEMIA/IMPAIRED INTELLECTUAL DEVELOPMENT SYNDROME, X-LINKED; ALPHA-THALASSEMIA/MENTAL RETARDATION SYNDROME, X-LINKED. Identifiers: Orphanet 847, MedGen C1845055, MONDO:0010519, OMIM 301040.

Submission:

Labcorp Genetics (formerly Invitae), Labcorp
Classification: Uncertain significance for Alpha thalassemia-X-linked intellectual disability syndrome. Last evaluated: 2021-09-01. Review status: criteria provided, single submitter. Criteria: Invitae Variant Classification Sherloc (09022015). Collection method: clinical testing. Allele origin: germline.
Comment: This sequence change replaces serine with asparagine at codon 1942 of the ATRX protein (p.Ser1942Asn). The serine residue is highly conserved and there is a small physicochemical difference between serine and asparagine. This variant is not present in population databases (ExAC no frequency). This variant has not been reported in the literature in individuals affected with ATRX-related conditions. Algorithms developed to predict the effect of missense changes on protein structure and function are either unavailable or do not agree on the potential impact of this missense change (SIFT: "Deleterious"; PolyPhen-2: "Benign"; Align-GVGD: "Class C0"). In summary, the available evidence is currently insufficient to determine the role of this variant in disease. Therefore, it has been classified as a Variant of Uncertain Significance.